The following is an entry in ClinVar:

NM_014727.3(KMT2B):c.6929C>T (p.Thr2310Ile)

Gene: KMT2B (lysine methyltransferase 2B; plus strand). Cytogenetic location: 19q13.12.
Variant type: single nucleotide variant.
Coding change: c.6929C>T on transcript NM_014727.3 (MANE Select); coding-DNA position 6929, C replaced by T.
Protein change: p.Thr2310Ile; replaces threonine 2310 with isoleucine.
Molecular consequence: missense variant.
Genome position (GRCh38, 1-based): chr19:35,733,478, C>T. VCF-style: chr19-35733478-C-T. GRCh37 (hg19) VCF-style: chr19-36224379-C-T.
Other names: short protein forms T2310I.
Identifiers: ClinVar variation 3602839 (VCV003602839.1).

ClinVar aggregate classification (germline): Uncertain significance (1 of 4 stars; one submission).

gnomAD v4.1: 4 of 1,564,742 alleles (0.00026%); highest among the groups gnomAD compares: South Asian, 0.0012%; no homozygotes.

Submission:

GeneDx
Classification: Uncertain significance. Last evaluated: 2024-08-08. Review status: criteria provided, single submitter. Criteria: GeneDx Variant Classification Process June 2021. Collection method: clinical testing. Allele origin: germline. Affected: yes.
Comment: Not observed at significant frequency in large population cohorts (gnomAD); In silico analysis indicates that this missense variant does not alter protein structure/function; Has not been previously published as pathogenic or benign to our knowledge